The following is an entry in ClinVar:

NM_001614.5(ACTG1):c.780G>A (p.Ala260=)

Gene: ACTG1 (actin gamma 1; minus strand). Cytogenetic location: 17q25.3.
Variant type: single nucleotide variant.
Coding change: c.780G>A on transcript NM_001614.5 (MANE Select); coding-DNA position 780, G replaced by A.
Protein change: p.Ala260=; no amino-acid change (alanine 260 retained).
Molecular consequence: synonymous variant. On other transcripts: non-coding transcript variant (1).
Genome position (GRCh38, 1-based): chr17:81,511,210, C>T on the plus strand (G>A on the coding strand, the complement: ACTG1 is on the minus strand). VCF-style: chr17-81511210-C-T. GRCh37 (hg19) VCF-style: chr17-79478236-C-T.
Other names: c.780G>A, p.Ala260= (NM_001199954.3).
Identifiers: ClinVar variation 516172 (VCV000516172.41), dbSNP rs140846345, ClinGen allele CA8835997.

ClinVar aggregate classification (germline): Benign/Likely benign. Review status: criteria provided, multiple submitters, no conflicts (2 of 4 stars). 8 submissions from 7 submitters: Benign (4); Likely benign (3). 1 of the submissions does not count toward it. Last evaluated 2026-06-01.

Conditions:
ACTG1-related disorder. Also called: ACTG1-related condition; ACTG1-related disorders.
Baraitser-winter syndrome 2. Identifiers: Orphanet 2995, MedGen C3281235, MONDO:0013812, OMIM 614583.
Autosomal dominant nonsyndromic hearing loss 20. Identifiers: Orphanet 90635, MedGen C1858172, MONDO:0011480, OMIM 604717.

Allele frequency attached by ClinVar (database versions not stated): ESP Exome Variant Server 0.00100; 1000 Genomes Project 30x 0.00109; 1000 Genomes Project 0.00140; TOPMed 0.00057; ExAC 0.00240; gnomAD 0.00287; gnomAD exomes 0.00295.
gnomAD v4.1: 2,482 of 1,613,720 alleles (0.15%); highest among the groups gnomAD compares: Non-Finnish European, 0.073%; 26 homozygotes.

Submissions (8):

CeGaT Center for Human Genetics Tuebingen
Classification: Likely benign. Last evaluated: 2026-06-01. Review status: criteria provided, single submitter. Criteria: CeGaT Center For Human Genetics Tuebingen Variant Classification Criteria Version 2. Collection method: clinical testing. Allele origin: germline. Affected: yes. Observed: 18 variant alleles.
Comment: ACTG1: BP4, BP7

Labcorp Genetics (formerly Invitae), Labcorp
Classification: Benign for Baraitser-winter syndrome 2; Autosomal dominant nonsyndromic hearing loss 20. Last evaluated: 2026-01-17. Review status: criteria provided, single submitter. Criteria: Invitae Variant Classification Sherloc (09022015). Collection method: clinical testing. Allele origin: germline.

Blueprint Genetics
Classification: Likely benign. Last evaluated: 2024-11-27. Review status: criteria provided, single submitter. Criteria: ACMG Guidelines, 2015. Collection method: clinical testing. Allele origin: germline.

Genome-Nilou Lab
Classification: Benign for Baraitser-winter syndrome 2. Last evaluated: 2021-12-05. Review status: criteria provided, single submitter. Criteria: ACMG Guidelines, 2015. Collection method: clinical testing. Allele origin: germline. Affected: no.

Genome-Nilou Lab
Classification: Benign for Autosomal dominant nonsyndromic hearing loss 20. Last evaluated: 2021-12-05. Review status: criteria provided, single submitter. Criteria: ACMG Guidelines, 2015. Collection method: clinical testing. Allele origin: germline. Affected: no.

GeneDx
Classification: Benign. Last evaluated: 2017-08-01. Review status: criteria provided, single submitter. Criteria: GeneDx Variant Classification (06012015). Collection method: clinical testing. Allele origin: germline. Affected: yes.
Comment: This variant is considered likely benign or benign based on one or more of the following criteria: it is a conservative change, it occurs at a poorly conserved position in the protein, it is predicted to be benign by multiple in silico algorithms, and/or has population frequency not consistent with disease.

Laboratory for Molecular Medicine, Mass General Brigham Personalized Medicine
Classification: Likely benign. Last evaluated: 2012-04-30. Review status: criteria provided, single submitter. Criteria: LMM Criteria. Collection method: clinical testing. Allele origin: germline. Observed: 1 variant allele.
Comment: Ala260Ala in Exon 04 of ACTG1: This variant is not expected to have clinical sig nificance because it does not alter an amino acid residue, is not located within the splice consensus sequence, and has been identified in 0.2% (11/7020) of Eur opean American chromosomes from a broad population by the NHLBI Exome Sequencing Project (dbSNP rs140846345).

PreventionGenetics, part of Exact Sciences
Classification: Benign for ACTG1-related condition. Last evaluated: 2022-04-04. Review status: no assertion criteria provided. Collection method: clinical testing. Allele origin: germline. Not counted in ClinVar's aggregate classification.
Comment: This variant is classified as benign based on ACMG/AMP sequence variant interpretation guidelines (Richards et al. 2015 PMID: 25741868, with internal and published modifications).